The following is an entry in ClinVar:

ClinVar aggregate classification (germline): Likely pathogenic. Review status: criteria provided, multiple submitters, no conflicts (2 of 4 stars). 2 submissions from 2 submitters: Likely pathogenic (2). Last evaluated 2024-08-06.

Conditions:
Meckel syndrome, type 5 (MKS5). Identifiers: Orphanet 564, MedGen C1969052, MONDO:0012695, OMIM 611561.
COACH syndrome 3. Identifiers: MedGen C5436841, MONDO:0030862, OMIM 619113.
Joubert syndrome 7 (JBTS7). Identifiers: Orphanet 220497, MedGen C1969053, MONDO:0012694, OMIM 611560.
Joubert syndrome. Also called: CEREBELLOPARENCHYMAL DISORDER IV; JOUBERT-BOLTSHAUSER SYNDROME; Familial aplasia of the vermis. Identifiers: Orphanet 475, MedGen C5979921, MONDO:0018772.

Submissions (2):

Natera, Inc.
Classification: Likely pathogenic for Joubert syndrome. Last evaluated: 2024-08-06. Review status: criteria provided, single submitter. Criteria: Natera Variant Classification Schema (03/2026). Collection method: clinical testing. Allele origin: germline.
Comment: The c.3519_3522del variant in RPGRIP1L is a frameshift variant predicted to shift the reading frame beginning at codon 1173 and leads to a stop codon 33 codons downstream. This variant is expected to result in nonsense mediated decay, truncation, or a dysfunctional protein product. This variant is rare in the general population with a frequency below the threshold expected for the associated phenotype(s). Given the available evidence, this variant is classified as Likely Pathogenic.

Fulgent Genetics
Classification: Likely pathogenic for Joubert syndrome 7; Meckel syndrome, type 5; COACH syndrome 3. Last evaluated: 2024-05-21. Review status: criteria provided, single submitter. Criteria: ACMG Guidelines, 2015. Collection method: clinical testing. Allele origin: germline.

NM_015272.5(RPGRIP1L):c.3519_3522del (p.Phe1173fs)

Gene: RPGRIP1L (RPGRIP1 like; minus strand). Cytogenetic location: 16q12.2.
Variant type: Microsatellite.
Coding change: c.3519_3522del on transcript NM_015272.5 (MANE Select); coding-DNA positions 3519 to 3522, 4 bases deleted (TGTT; older notation c.3519_3522delTGTT).
Protein change: p.Phe1173fs; shifts the reading frame from phenylalanine 1173.
Molecular consequence: frameshift variant.
Genome position (GRCh38, 1-based): chr16:53,619,119-53,619,122, AACA deleted on the plus strand (TGTT on the coding strand, the reverse complement: RPGRIP1L is on the minus strand); deleting any 4 consecutive bases within chr16:53,619,119-53,619,126 gives the same sequence; the c. name uses the placement nearest the transcript's 3' end. VCF-style (leftmost placement, unchanged base first): chr16-53619118-CAACA-C. GRCh37 (hg19) VCF-style: chr16-53653030-CAACA-C.
Other names: c.3417_3420del, p.Phe1139fs (NM_001330538.2); c.3279_3282del, p.Phe1093fs (NM_001127897.4); c.3381_3384del, p.Phe1127fs (NM_001308334.3); c.3519_3522del (NM_015272.4); short protein forms F1127fs, F1093fs, F1173fs, F1139fs.
Identifiers: ClinVar variation 3580810 (VCV003580810.2).